The following is an entry in ClinVar:

ClinVar aggregate classification (germline): Conflicting classifications of pathogenicity. Review status: criteria provided, conflicting classifications (1 of 4 stars). 4 submissions from 4 submitters: Pathogenic (1); Likely pathogenic (1); Uncertain significance (2). Last evaluated 2024-11-06.

Conditions:
Peroxisome biogenesis disorder 4A (Zellweger) (PBD4A). Also called: Zellweger syndrome spectrum (PEX6-related). Identifiers: Orphanet 912, MedGen C3553936, MONDO:0013930, OMIM 614862. Disease mechanism: loss of function.
Peroxisome biogenesis disorder 4B (PBD4B). Also called: SPINOCEREBELLAR ATAXIA WITH BLINDNESS AND DEAFNESS 1. Identifiers: Orphanet 44, Orphanet 95433, MedGen C3553937, MONDO:0013931, OMIM 614863.
Heimler syndrome 2 (HMLR2). Also called: PEROXISOME BIOGENESIS DISORDER 4C. Identifiers: Orphanet 3220, MedGen C4225267, OMIM 616617, MONDO:0014709.
PEX6-related disorder. Also called: PEX6-related condition; PEX6-related disorders.
Peroxisome biogenesis disorder. Identifiers: Orphanet 79189, MedGen C1832200, MONDO:0019234. Disease mechanism: loss of function.

Allele frequency attached by ClinVar (database versions not stated): TOPMed below 0.00001.

Submissions (4):

PreventionGenetics, part of Exact Sciences
Classification: Uncertain significance for PEX6-related condition. Last evaluated: 2024-11-06. Review status: criteria provided, single submitter. Criteria: ACMG Guidelines, 2015. Collection method: clinical testing. Allele origin: germline.
Comment: The PEX6 c.1A>G variant is predicted to disrupt the translation initiation site (Start loss). To our knowledge, this variant has not been reported in the literature in a patient with a PEX6 related disorder. This variant is reported in 0.0023% of alleles in individuals of European (Non-Finnish) descent in gnomAD. Although we suspect that this variant may be pathogenic, at this time, the clinical significance of this variant is uncertain due to the absence of conclusive functional and genetic evidence.

Labcorp Genetics (formerly Invitae), Labcorp
Classification: Pathogenic for Peroxisome biogenesis disorder. Last evaluated: 2023-11-20. Review status: criteria provided, single submitter. Criteria: Invitae Variant Classification Sherloc (09022015). Collection method: clinical testing. Allele origin: germline.
Comment: This sequence change affects the initiator methionine of the PEX6 mRNA. The next in-frame methionine is located at codon 288. The frequency data for this variant in the population databases is considered unreliable, as metrics indicate poor data quality at this position in the gnomAD database. This variant has not been reported in the literature in individuals affected with PEX6-related conditions. ClinVar contains an entry for this variant (Variation ID: 2139685). This variant disrupts a region of the PEX6 protein in which other variant(s) (p.Pro274Leu) have been determined to be pathogenic (PMID: 15542397, 19877282, 24016303, 26387595). This suggests that this is a clinically significant region of the protein, and that variants that disrupt it are likely to be disease-causing. For these reasons, this variant has been classified as Pathogenic.

Blueprint Genetics
Classification: Likely pathogenic for PEX6-related disorders. Last evaluated: 2023-10-18. Review status: criteria provided, single submitter. Criteria: ACMG Guidelines, 2015. Collection method: clinical testing. Allele origin: germline. Affected: yes. Observed: 3 variant alleles.

Department of Pathology and Laboratory Medicine, Sinai Health System
Classification: Uncertain significance for Peroxisome biogenesis disorder 4A (Zellweger); Peroxisome biogenesis disorder 4B; Heimler syndrome 2. Last evaluated: 2023-02-01. Review status: criteria provided, single submitter. Criteria: ACMG Guidelines, 2015. Collection method: research. Allele origin: germline.

Literature cited by the submitters: PubMed 15542397 (cited by Labcorp Genetics (formerly Invitae), Labcorp); PubMed 19877282 (cited by Labcorp Genetics (formerly Invitae), Labcorp); PubMed 24016303 (cited by Labcorp Genetics (formerly Invitae), Labcorp); PubMed 26387595 (cited by Labcorp Genetics (formerly Invitae), Labcorp).

NM_000287.4(PEX6):c.1A>G (p.Met1Val)

Gene: PEX6 (peroxisomal biogenesis factor 6; minus strand). Cytogenetic location: 6p21.1.
Variant type: single nucleotide variant.
Coding change: c.1A>G on transcript NM_000287.4 (MANE Select); coding-DNA position 1, A replaced by G.
Protein change: p.Met1Val; changes the start codon (methionine 1).
Molecular consequence: missense variant, initiator codon variant. On other transcripts: non-coding transcript variant (1).
Genome position (GRCh38, 1-based): chr6:42,979,150, T>C on the plus strand (A>G on the coding strand, the complement: PEX6 is on the minus strand). VCF-style: chr6-42979150-T-C. GRCh37 (hg19) VCF-style: chr6-42946888-T-C.
Other names: c.1A>G (NM_000287.3); c.1A>G, p.Met1Val (NM_001316313.2); short protein forms M1V.
Identifiers: ClinVar variation 2139685 (VCV002139685.8), dbSNP rs1212487109, ClinGen allele CA364170157.